The following is an entry in ClinVar:

ClinVar aggregate classification (germline): Uncertain significance. Review status: criteria provided, multiple submitters, no conflicts (2 of 4 stars). 2 submissions from 2 submitters: Uncertain significance (2). Last evaluated 2025-11-22.

gnomAD v4.1: 1 of 1,613,732 alleles (0.000062%); highest among the groups gnomAD compares: South Asian, 0.0011%; no homozygotes.

Submissions (2):

Labcorp Genetics (formerly Invitae), Labcorp
Classification: Uncertain significance. Last evaluated: 2025-11-22. Review status: criteria provided, single submitter. Criteria: Invitae Variant Classification Sherloc (09022015). Collection method: clinical testing. Allele origin: germline.
Comment: This sequence change replaces valine, which is neutral and non-polar, with methionine, which is neutral and non-polar, at codon 706 of the LZTR1 protein (p.Val706Met). This variant is present in population databases (rs747431522, gnomAD 0.003%). This variant has not been reported in the literature in individuals affected with LZTR1-related conditions. ClinVar contains an entry for this variant (Variation ID: 3625012). Invitae Evidence Modeling of protein sequence and biophysical properties (such as structural, functional, and spatial information, amino acid conservation, physicochemical variation, residue mobility, and thermodynamic stability) indicates that this missense variant is not expected to disrupt LZTR1 protein function with a negative predictive value of 80%. In summary, the available evidence is currently insufficient to determine the role of this variant in disease. Therefore, it has been classified as a Variant of Uncertain Significance.

Dasa
Classification: Uncertain significance. Last evaluated: 2025-09-30. Review status: criteria provided, single submitter. Criteria: DASA Assertion Criteria. Collection method: clinical testing. Allele origin: germline.
Comment: NM_006767.4(LZTR1):c.2116G>A (p.Val706Met) is a missense variant that results in the substitution of valine with methionine. This variant is rare in population databases. The currently available literature and clinical evidence are not sufficient to establish a definitive association between this variant and the reported condition. Therefore, this variant is classified as a variant of uncertain significance.

NM_006767.4(LZTR1):c.2116G>A (p.Val706Met)

Gene: LZTR1 (leucine zipper like post translational regulator 1; plus strand). Cytogenetic location: 22q11.21.
Variant type: single nucleotide variant.
Coding change: c.2116G>A on transcript NM_006767.4 (MANE Select); coding-DNA position 2116, G replaced by A.
Protein change: p.Val706Met; replaces valine 706 with methionine.
Molecular consequence: missense variant.
Genome position (GRCh38, 1-based): chr22:20,996,009, G>A. VCF-style: chr22-20996009-G-A. GRCh37 (hg19) VCF-style: chr22-21350298-G-A.
Other names: short protein forms V706M.
Identifiers: ClinVar variation 3625012 (VCV003625012.4).